The following is an entry in ClinVar:

NM_020320.5(RARS2):c.1211T>A (p.Met404Lys)

Gene: RARS2 (arginyl-tRNA synthetase 2, mitochondrial; minus strand). Cytogenetic location: 6q15.
Variant type: single nucleotide variant.
Coding change: c.1211T>A on transcript NM_020320.5 (MANE Select); coding-DNA position 1211, T replaced by A.
Protein change: p.Met404Lys; replaces methionine 404 with lysine.
Molecular consequence: missense variant. On other transcripts: non-coding transcript variant (23).
Genome position (GRCh38, 1-based): chr6:87,519,609, A>T on the plus strand (T>A on the coding strand, the complement: RARS2 is on the minus strand). VCF-style: chr6-87519609-A-T. GRCh37 (hg19) VCF-style: chr6-88229327-A-T.
Other names: p.M404K:ATG>AAG; c.686T>A, p.Met229Lys (NM_001318785.2, NM_001350506.2, NM_001350507.2 and 4 more transcripts); c.1211T>A, p.Met404Lys (NM_001350505.2); c.1211T>A (NM_020320.4); short protein forms M404K, M229K.
Identifiers: ClinVar variation 215066 (VCV000215066.7), dbSNP rs863224180, ClinGen allele CA323803.

ClinVar aggregate classification (germline): Conflicting classifications of pathogenicity. Review status: criteria provided, conflicting classifications (1 of 4 stars). 4 submissions from 4 submitters: Likely pathogenic (3); Uncertain significance (1). Last evaluated 2025-11-18.

Conditions:
Pontocerebellar hypoplasia type 6 (PCH6). Identifiers: Orphanet 166073, MedGen C1969084, MONDO:0012683, OMIM 611523.

Allele frequency attached by ClinVar (database versions not stated): gnomAD exomes below 0.00001.
gnomAD v4.1: 3 of 1,612,826 alleles (0.00019%); highest among the groups gnomAD compares: Non-Finnish European, 0.00025%; no homozygotes.

Submissions (4):

Women's Health and Genetics/Laboratory Corporation of America, LabCorp
Classification: Uncertain significance. Last evaluated: 2025-11-18. Review status: criteria provided, single submitter. Criteria: LabCorp Variant Classification Summary - May 2015. Collection method: clinical testing. Allele origin: germline.
Comment: Variant summary: RARS2 c.1211T>A (p.Met404Lys) results in a non-conservative amino acid change in the encoded protein sequence. Algorithms developed to predict the effect of missense changes on protein structure and function all suggest that this variant is likely to be disruptive. The variant was absent in 251286 control chromosomes. c.1211T>A has been observed in trans with a likely pathogenic variant in at least 1 individual affected with Pontocerebellar Hypoplasia, Type 6 (Glamuzina_2012). A different variant affecting the same codon has been classified as likely pathogenic by our lab (c.1210A>G, p.Met404Val), supporting the critical relevance of codon 404 to RARS2 protein function. At least one publication reports experimental evidence evaluating an impact on protein function and found the variant did not impact protein expression or localization (Gonzalez-Serrano_2018). However, this finding does not allow any strong conclusions about the variant effect. The following publications have been ascertained in the context of this evaluation (PMID: 22086604, 30006346, 24642831, 25807530, 26970947, 27061686, 29434700, 31536827, 34717047, 35707589, 35468344, 38438854). ClinVar contains an entry for this variant (Variation ID: 215066). Based on the evidence outlined above, the variant was classified as VUS-possibly pathogenic.

Natera, Inc.
Classification: Likely pathogenic for Pontocerebellar hypoplasia, type 6. Last evaluated: 2025-04-14. Review status: criteria provided, single submitter. Criteria: Natera Variant Classification Schema (03/2026). Collection method: clinical testing. Allele origin: germline.
Comment: The c.1211T>A variant in RARS2 is a missense variant predicted to cause substitution of methionine to lysine at amino acid 404. This variant is rare in the general population with a frequency below the threshold expected for the associated phenotype(s). This variant has been observed in one or more individuals affected with the associated recessive disease, as either homozygous or compound heterozygous with a second variant (PMID: 22086604). A different variant at the same position has been determined to be Pathogenic or Likely Pathogenic. Computational prediction algorithms indicate this variant is likely to affect gene or protein function. Given the available evidence, this variant is classified as Likely Pathogenic.

Labcorp Genetics (formerly Invitae), Labcorp
Classification: Likely pathogenic. Last evaluated: 2023-06-30. Review status: criteria provided, single submitter. Criteria: Invitae Variant Classification Sherloc (09022015). Collection method: clinical testing. Allele origin: germline.
Comment: This variant is not present in population databases (gnomAD no frequency). In summary, the currently available evidence indicates that the variant is pathogenic, but additional data are needed to prove that conclusively. Therefore, this variant has been classified as Likely Pathogenic. This variant disrupts the p.Met404 amino acid residue in RARS2. Other variant(s) that disrupt this residue have been determined to be pathogenic (PMID: 22086604, 32571458, 35468344). This suggests that this residue is clinically significant, and that variants that disrupt this residue are likely to be disease-causing. Experimental studies are conflicting or provide insufficient evidence to determine the effect of this variant on RARS2 function (PMID: 30006346). Advanced modeling of protein sequence and biophysical properties (such as structural, functional, and spatial information, amino acid conservation, physicochemical variation, residue mobility, and thermodynamic stability) performed at Invitae indicates that this missense variant is expected to disrupt RARS2 protein function. ClinVar contains an entry for this variant (Variation ID: 215066). This missense change has been observed in individual(s) with pontocerebellar hypoplasia (PMID: 22086604). In at least one individual the data is consistent with being in trans (on the opposite chromosome) from a pathogenic variant. This sequence change replaces methionine, which is neutral and non-polar, with lysine, which is basic and polar, at codon 404 of the RARS2 protein (p.Met404Lys).

GeneDx
Classification: Likely pathogenic. Last evaluated: 2016-02-05. Review status: criteria provided, single submitter. Criteria: GeneDx Variant Classification (06012015). Collection method: clinical testing. Allele origin: germline. Affected: yes.
Comment: The M404K missense variant has been reported previously in association with PCH6 in an individual who also harbored a second pathogenic variant in the RARS2 gene (Glamuzina et al., 2012). The M404K variant is a non-conservative amino acid substitution, which is likely to impact secondary protein structure as these residues differ in polarity, charge, size and/or other properties. This substitution occurs at a position that is highly conserved across species (Glamuzina et al., 2012). In silico analysis predicts this variant is probably damaging to the protein structure/function (Glamuzina et al., 2012). Therefore, we interpreted M404K to be a likely pathogenic variant.

Literature cited by the submitters: PubMed 27061686 (cited by Women's Health and Genetics/Laboratory Corporation of America, LabCorp); PubMed 29434700 (cited by Women's Health and Genetics/Laboratory Corporation of America, LabCorp); PubMed 34717047 (cited by Women's Health and Genetics/Laboratory Corporation of America, LabCorp); PubMed 22086604 (cited by 3 submitters); PubMed 24642831 (cited by Women's Health and Genetics/Laboratory Corporation of America, LabCorp); PubMed 26970947 (cited by Women's Health and Genetics/Laboratory Corporation of America, LabCorp); PubMed 31536827 (cited by Women's Health and Genetics/Laboratory Corporation of America, LabCorp); PubMed 30006346 (cited by Women's Health and Genetics/Laboratory Corporation of America, LabCorp and Labcorp Genetics (formerly Invitae), Labcorp); PubMed 35468344 (cited by Women's Health and Genetics/Laboratory Corporation of America, LabCorp and Labcorp Genetics (formerly Invitae), Labcorp); PubMed 35707589 (cited by Women's Health and Genetics/Laboratory Corporation of America, LabCorp); PubMed 38438854 (cited by Women's Health and Genetics/Laboratory Corporation of America, LabCorp); PubMed 25807530 (cited by Women's Health and Genetics/Laboratory Corporation of America, LabCorp); PubMed 32571458 (cited by Labcorp Genetics (formerly Invitae), Labcorp).